The following is an entry in ClinVar:

ClinVar aggregate classification (germline): Benign/Likely benign. Review status: criteria provided, multiple submitters, no conflicts (2 of 4 stars). 3 submissions from 3 submitters: Benign (1); Likely benign (2). Last evaluated 2024-10-06.

Conditions:
Ataxia-telangiectasia syndrome (AT). Also called: LOUIS-BAR SYNDROME; Cerebello-oculocutaneous telangiectasia; Immunodeficiency with ataxia telangiectasia; Ataxia telangiectasia (A-T); Ataxia-telangiectasia, complementation group D; AT, COMPLEMENTATION GROUP C. Identifiers: Orphanet 100, MedGen C0004135, MONDO:0008840, OMIM 208900.
Familial cancer of breast. Also called: BREAST CANCER, FAMILIAL; Hereditary breast cancer; hereditary breast carcinoma. Identifiers: Orphanet 227535, MedGen C0346153, MONDO:0016419, OMIM 114480. Disease mechanism: loss of function.
Hereditary cancer-predisposing syndrome. Also called: Neoplastic Syndromes, Hereditary; Tumor predisposition; Hereditary Cancer Syndrome; Hereditary neoplastic syndrome. Identifiers: Orphanet 140162, MedGen C0027672, MeSH D009386, MONDO:0015356.

Submissions (3):

Labcorp Genetics (formerly Invitae), Labcorp
Classification: Likely benign for Ataxia-telangiectasia syndrome. Last evaluated: 2024-10-06. Review status: criteria provided, single submitter. Criteria: Invitae Variant Classification Sherloc (09022015). Collection method: clinical testing. Allele origin: germline.

Myriad Genetics, Inc.
Classification: Benign for Familial cancer of breast. Last evaluated: 2024-06-12. Review status: criteria provided, single submitter. Criteria: Myriad Autosomal Dominant, Autosomal Recessive and X-Linked Classification Criteria (2023). Collection method: clinical testing. Allele origin: unknown.
Comment: This variant is considered benign. This variant is a silent/synonymous amino acid change and it is not expected to impact splicing.

Sema4
Classification: Likely benign for Hereditary cancer-predisposing syndrome. Last evaluated: 2021-09-16. Review status: criteria provided, single submitter. Criteria: Sema4 Curation Guidelines. Collection method: curation. Allele origin: germline.

NM_000051.4(ATM):c.6861A>C (p.Gly2287=)

Genes: ATM (ATM serine/threonine kinase; plus strand), C11orf65 (chromosome 11 open reading frame 65; minus strand). Cytogenetic location: 11q22.3.
Variant type: single nucleotide variant.
Coding change: c.6861A>C on transcript NM_000051.4 (MANE Select); coding-DNA position 6861, A replaced by C.
Protein change: p.Gly2287=; no amino-acid change (glycine 2287 retained).
Molecular consequence: synonymous variant. On other transcripts: intron variant (2).
Genome position (GRCh38, 1-based): chr11:108,326,111, A>C. VCF-style: chr11-108326111-A-C. GRCh37 (hg19) VCF-style: chr11-108196838-A-C.
Other names: c.6861A>C, p.Gly2287= (NM_001351834.2); c.641-17040T>G (NM_001330368.2); c.*38+9109T>G (NM_001351110.2).
Identifiers: ClinVar variation 1649260 (VCV001649260.9), dbSNP rs2136333918, ClinGen allele CA476676307.